The following is an entry in ClinVar:

ClinVar aggregate classification (germline): Pathogenic (1 of 4 stars; one submission).

Conditions:
Neurofibromatosis, type 1 (NF1). Also called: VON RECKLINGHAUSEN DISEASE; Peripheral type neurofibromatosis; NEUROFIBROMATOSIS, TYPE I, SOMATIC; Neurofibromatosis, type I. Identifiers: Orphanet 636, MedGen C0027831, MONDO:0018975, OMIM 162200. Disease mechanism: loss of function.

Submission:

Labcorp Genetics (formerly Invitae), Labcorp
Classification: Pathogenic for Neurofibromatosis, type 1. Last evaluated: 2022-03-03. Review status: criteria provided, single submitter. Criteria: Invitae Variant Classification Sherloc (09022015). Collection method: clinical testing. Allele origin: germline.
Comment: For these reasons, this variant has been classified as Pathogenic. This sequence change creates a premature translational stop signal (p.Trp1048Glyfs*14) in the NF1 gene. It is expected to result in an absent or disrupted protein product. Loss-of-function variants in NF1 are known to be pathogenic (PMID: 10712197, 23913538). ClinVar contains an entry for this variant (Variation ID: 1068972). This variant has not been reported in the literature in individuals affected with NF1-related conditions. This variant is not present in population databases (gnomAD no frequency).

Literature cited by the submitters: PubMed 10712197; PubMed 23913538.

NM_001042492.3(NF1):c.3141del (p.Trp1048fs)

Gene: NF1 (neurofibromin 1; plus strand). Cytogenetic location: 17q11.2.
Variant type: Deletion.
Coding change: c.3141del on transcript NM_001042492.3 (MANE Select); coding-DNA position 3141, one base deleted (C; older notation c.3141delC).
Protein change: p.Trp1048fs; shifts the reading frame from tryptophan 1048.
Molecular consequence: frameshift variant.
Genome position (GRCh38, 1-based): chr17:31,230,869, C deleted. VCF-style (leftmost placement, unchanged base first): chr17-31230868-AC-A. GRCh37 (hg19) VCF-style: chr17-29557886-AC-A.
Other names: c.3141delC, p.Trp1048Glyfs (NM_000267.4); short protein forms W1048fs.
Identifiers: ClinVar variation 1068972 (VCV001068972.5), dbSNP rs2151432416, ClinGen allele CA2499224088.